The following is an entry in ClinVar:

ClinVar aggregate classification (germline): Uncertain significance (1 of 4 stars; one submission).

gnomAD v4.1: 9 of 1,614,058 alleles (0.00056%); highest among the groups gnomAD compares: Non-Finnish European, 0.00076%; no homozygotes.

Submission:

GeneDx
Classification: Uncertain significance. Last evaluated: 2022-07-08. Review status: criteria provided, single submitter. Criteria: GeneDx Variant Classification Process June 2021. Collection method: clinical testing. Allele origin: germline. Affected: yes.
Comment: Not observed at significant frequency in large population cohorts (gnomAD); In silico analysis supports that this missense variant does not alter protein structure/function; Has not been previously published as pathogenic or benign to our knowledge

NM_020774.4(MIB1):c.1589G>A (p.Arg530Gln)

Gene: MIB1 (MIB E3 ubiquitin protein ligase 1; plus strand). Cytogenetic location: 18q11.2.
Variant type: single nucleotide variant.
Coding change: c.1589G>A on transcript NM_020774.4 (MANE Select); coding-DNA position 1589, G replaced by A.
Protein change: p.Arg530Gln; replaces arginine 530 with glutamine.
Molecular consequence: missense variant.
Genome position (GRCh38, 1-based): chr18:21,815,725, G>A. VCF-style: chr18-21815725-G-A. GRCh37 (hg19) VCF-style: chr18-19395686-G-A.
Other names: short protein forms R530Q.
Identifiers: ClinVar variation 1810426 (VCV001810426.1), dbSNP rs1404000824, ClinGen allele CA401758182.
Genomic context (GRCh38, chr18:21,815,725, plus strand): 5'-GCGCTGTTATAGAAGTACTACATCGAGGTAGTGCTGATTTGAATGCTCGAAACAAGCGCC[G>A]ACAGACACCACTTCATATTGCTGTCAATAAAGGTCATCTTCAAGTTGTGAAGACTTTATT-3'
Protein context (NP_065825.1, residues 520-540): SADLNARNKR[Arg530Gln]QTPLHIAVNK